The following is an entry in ClinVar:

ClinVar aggregate classification (germline): Uncertain significance. Review status: criteria provided, multiple submitters, no conflicts (2 of 4 stars). 2 submissions from 2 submitters: Uncertain significance (2). Last evaluated 2024-07-18.

Conditions:
Inborn genetic diseases. Identifiers: MedGen C0950123, MeSH D030342.

Allele frequency attached by ClinVar (database versions not stated): TOPMed below 0.00001; gnomAD exomes 0.00001; ExAC 0.00002; 1000 Genomes Project 30x 0.00016; 1000 Genomes Project 0.00020.
gnomAD v4.1: 11 of 1,613,940 alleles (0.00068%); highest among the groups gnomAD compares: Middle Eastern, 0.017%; no homozygotes.

Submissions (2):

Quest Diagnostics Nichols Institute San Juan Capistrano
Classification: Uncertain significance. Last evaluated: 2024-07-18. Review status: criteria provided, single submitter. Criteria: Quest Diagnostics criteria. Collection method: clinical testing. Allele origin: unknown.
Comment: The VWF c.4025G>A (p.Arg1342His) variant has not been reported in individuals with VWF-related conditions in the published literature. The frequency of this variant in the general population, 0.000012 (3/250650 chromosomes (Genome Aggregation Database)), is uninformative in the assessment of its pathogenicity. Analysis of this variant using bioinformatics tools for the prediction of the effect of amino acid changes on protein structure and function yielded conflicting predictions that this variant is deleterious or benign. Based on the available information, we are unable to determine the clinical significance of this variant.

Ambry Genetics
Classification: Uncertain significance for Inborn genetic diseases. Last evaluated: 2021-06-18. Review status: criteria provided, single submitter. Criteria: Ambry Variant Classification Scheme 2023. Collection method: clinical testing. Allele origin: germline.

NM_000552.5(VWF):c.4025G>A (p.Arg1342His)

Gene: VWF (von Willebrand factor; minus strand). Cytogenetic location: 12p13.31.
Variant type: single nucleotide variant.
Coding change: c.4025G>A on transcript NM_000552.5 (MANE Select); coding-DNA position 4025, G replaced by A.
Protein change: p.Arg1342His; replaces arginine 1342 with histidine.
Molecular consequence: missense variant.
Genome position (GRCh38, 1-based): chr12:6,019,393, C>T on the plus strand (G>A on the coding strand, the complement: VWF is on the minus strand). VCF-style: chr12-6019393-C-T. GRCh37 (hg19) VCF-style: chr12-6128559-C-T.
Other names: c.4025G>A (NM_000552.4); short protein forms R1342H.
Identifiers: ClinVar variation 2233388 (VCV002233388.3), dbSNP rs527483960, ClinGen allele CA6402623.